The following is an entry in ClinVar:

ClinVar aggregate classification (germline): Pathogenic. Review status: reviewed by expert panel (3 of 4 stars). 3 submissions from 3 submitters: Pathogenic (1). 2 of the submissions do not count toward it. Last evaluated 2017-12-15.

Conditions:
Hereditary breast ovarian cancer syndrome. Also called: Hereditary breast and ovarian cancer syndrome; Hereditary breast and ovarian cancer; Hereditary breast and ovarian cancer syndrome (HBOC); Breast and ovarian cancer; Hereditary breast and/or ovarian cancer syndrome; BRCA1- and BRCA2-Associated Hereditary Breast and Ovarian Cancer. Identifiers: Orphanet 145, MedGen C0677776, MeSH D061325, MONDO:0003582. Disease mechanism: loss of function.
Familial cancer of breast. Also called: BREAST CANCER, FAMILIAL; Hereditary breast cancer; hereditary breast carcinoma. Identifiers: Orphanet 227535, MedGen C0346153, MONDO:0016419, OMIM 114480. Disease mechanism: loss of function.
Breast-ovarian cancer, familial, susceptibility to, 2 (BROVCA2). Also called: BRCA2 Hereditary Breast and Ovarian Cancer. Identifiers: Orphanet 145, MedGen C2675520, MONDO:0012933, OMIM 612555. Disease mechanism: loss of function.

Submissions (3):

Evidence-based Network for the Interpretation of Germline Mutant Alleles (ENIGMA)
Classification: Pathogenic for Breast-ovarian cancer, familial, susceptibility to, 2. Last evaluated: 2017-12-15. Review status: reviewed by expert panel. Criteria: ENIGMA BRCA1/2 Classification Criteria (2017-06-29). Collection method: curation. Allele origin: germline. Study: ENIGMA.
Comment: Variant allele predicted to encode a truncated non-functional protein.

Labcorp Genetics (formerly Invitae), Labcorp
Classification: Pathogenic for Hereditary breast ovarian cancer syndrome. Last evaluated: 2018-05-10. Review status: criteria provided, single submitter. Criteria: Invitae Variant Classification Sherloc (09022015). Collection method: clinical testing. Allele origin: germline. Not counted in ClinVar's aggregate classification.
Comment: Loss-of-function variants in BRCA2 are known to be pathogenic (PMID: 20104584). This variant has been observed in an individual affected with breast cancer (PMID: 21614564). This variant is also known as 5399delT in the literature. ClinVar contains an entry for this variant (Variation ID: 51804). This variant is not present in population databases (ExAC no frequency). This sequence change creates a premature translational stop signal (p.Ile1724Lysfs*17) in the BRCA2 gene. It is expected to result in an absent or disrupted protein product. For these reasons, this variant has been classified as Pathogenic.

ClinVar Staff, National Center for Biotechnology Information (NCBI)
No classification provided. Condition: Familial cancer of breast. Review status: no classification provided. Collection method: literature only. Allele origin: germline. Affected: yes. Not counted in ClinVar's aggregate classification.

Literature cited by the submitters: PubMed 20104584 (cited by Labcorp Genetics (formerly Invitae), Labcorp); PubMed 21614564 (cited by Labcorp Genetics (formerly Invitae), Labcorp and ClinVar Staff, National Center for Biotechnology Information (NCBI)).

NM_000059.4(BRCA2):c.5171del (p.Ile1724fs)

Gene: BRCA2 (BRCA2 DNA repair associated; plus strand). Cytogenetic location: 13q13.1.
Variant type: Deletion.
Coding change: c.5171del on transcript NM_000059.4 (MANE Select); coding-DNA position 5171, one base deleted (T; older notation c.5171delT).
Protein change: p.Ile1724fs; shifts the reading frame from isoleucine 1724.
Molecular consequence: frameshift variant.
Genome position (GRCh38, 1-based): chr13:32,339,526, T deleted. VCF-style (leftmost placement, unchanged base first): chr13-32339525-AT-A. GRCh37 (hg19) VCF-style: chr13-32913662-AT-A.
Other names: c.5171delT (NM_000059.3); short protein forms I1724fs.
Identifiers: ClinVar variation 51804 (VCV000051804.12), dbSNP rs397507767, ClinGen allele CA021561.